The following is an entry in ClinVar:

ClinVar aggregate classification (germline): Uncertain significance (1 of 4 stars; one submission).

Conditions:
Combined oxidative phosphorylation defect type 27. Also called: Combined oxidative phosphorylation deficiency 27. Identifiers: Orphanet 477774, MedGen C5567608, MONDO:0014728, OMIM 616672.

gnomAD v4.1: 1 of 1,598,238 alleles (0.000063%); highest among the groups gnomAD compares: Non-Finnish European, 0.000085%; no homozygotes.

Submission:

Labcorp Genetics (formerly Invitae), Labcorp
Classification: Uncertain significance for Combined oxidative phosphorylation defect type 27. Last evaluated: 2021-06-06. Review status: criteria provided, single submitter. Criteria: Invitae Variant Classification Sherloc (09022015). Collection method: clinical testing. Allele origin: germline.
Comment: This variant has not been reported in the literature in individuals with CARS2-related conditions. In summary, the available evidence is currently insufficient to determine the role of this variant in disease. Therefore, it has been classified as a Variant of Uncertain Significance. Nucleotide substitutions within the consensus splice site are a relatively common cause of aberrant splicing (PMID: 17576681, 9536098). Algorithms developed to predict the effect of sequence changes on RNA splicing suggest that this variant may disrupt the consensus splice site, but this prediction has not been confirmed by published transcriptional studies. Algorithms developed to predict the effect of missense changes on protein structure and function (SIFT, PolyPhen-2, Align-GVGD) all suggest that this variant is likely to be tolerated, but these predictions have not been confirmed by published functional studies and their clinical significance is uncertain. This variant is not present in population databases (ExAC no frequency). This sequence change replaces alanine with proline at codon 219 of the CARS2 protein (p.Ala219Pro). The alanine residue is weakly conserved and there is a small physicochemical difference between alanine and proline. This variant also falls at the last nucleotide of exon 6, which is part of the consensus splice site for this exon.

Literature cited by the submitters: PubMed 17576681; PubMed 9536098.

NM_024537.4(CARS2):c.655G>C (p.Ala219Pro)

Gene: CARS2 (cysteinyl-tRNA synthetase 2, mitochondrial; minus strand). Cytogenetic location: 13q34.
Variant type: single nucleotide variant.
Coding change: c.655G>C on transcript NM_024537.4 (MANE Select); coding-DNA position 655, G replaced by C.
Protein change: p.Ala219Pro; replaces alanine 219 with proline.
Molecular consequence: missense variant. On other transcripts: 5 prime UTR variant (1), non-coding transcript variant (2).
Genome position (GRCh38, 1-based): chr13:110,683,051, C>G on the plus strand (G>C on the coding strand, the complement: CARS2 is on the minus strand). VCF-style: chr13-110683051-C-G. GRCh37 (hg19) VCF-style: chr13-111335398-C-G.
Other names: c.-132G>C (NM_001352252.2); c.655G>C, p.Ala219Pro (NM_001352253.3); short protein forms A219P.
Identifiers: ClinVar variation 1359413 (VCV001359413.8), dbSNP rs727505361, ClinGen allele CA388736522.